The following is an entry in ClinVar:

NM_001101677.2(SOHLH1):c.224G>A (p.Arg75His)

Gene: SOHLH1 (spermatogenesis and oogenesis specific basic helix-loop-helix 1; minus strand). Cytogenetic location: 9q34.3.
Variant type: single nucleotide variant.
Coding change: c.224G>A on transcript NM_001101677.2 (MANE Select); coding-DNA position 224, G replaced by A.
Protein change: p.Arg75His; replaces arginine 75 with histidine.
Molecular consequence: missense variant.
Genome position (GRCh38, 1-based): chr9:135,698,450, C>T on the plus strand (G>A on the coding strand, the complement: SOHLH1 is on the minus strand). VCF-style: chr9-135698450-C-T. GRCh37 (hg19) VCF-style: chr9-138590296-C-T.
Other names: c.224G>A, p.Arg75His (NM_001012415.3); short protein forms R75H.
Identifiers: ClinVar variation 3025401 (VCV003025401.22), dbSNP rs141481986, ClinGen allele CA5326032.

ClinVar aggregate classification (germline): Benign (1 of 4 stars; one submission).

Allele frequency attached by ClinVar (database versions not stated): ExAC 0.00116; ESP Exome Variant Server 0.00384; 1000 Genomes Project 0.00559; 1000 Genomes Project 30x 0.00609.

Submission:

CeGaT Center for Human Genetics Tuebingen
Classification: Benign. Last evaluated: 2023-12-01. Review status: criteria provided, single submitter. Criteria: CeGaT Center For Human Genetics Tuebingen Variant Classification Criteria Version 2. Collection method: clinical testing. Allele origin: germline. Affected: yes. Observed: 1 variant allele.
Comment: SOHLH1: BS1, BS2